The following is an entry in ClinVar:

NM_030665.4(RAI1):c.1607G>T (p.Arg536Leu)

Gene: RAI1 (retinoic acid induced 1; plus strand). Cytogenetic location: 17p11.2.
Variant type: single nucleotide variant.
Coding change: c.1607G>T on transcript NM_030665.4 (MANE Select); coding-DNA position 1607, G replaced by T.
Protein change: p.Arg536Leu; replaces arginine 536 with leucine.
Molecular consequence: missense variant.
Genome position (GRCh38, 1-based): chr17:17,794,555, G>T. VCF-style: chr17-17794555-G-T. GRCh37 (hg19) VCF-style: chr17-17697869-G-T.
Other names: short protein forms R536L.
Identifiers: ClinVar variation 3620129 (VCV003620129.2).

ClinVar aggregate classification (germline): Uncertain significance (1 of 4 stars; one submission).

gnomAD v4.1: 4 of 1,613,156 alleles (0.00025%); highest among the groups gnomAD compares: Non-Finnish European, 0.00034%; no homozygotes.

Submission:

Labcorp Genetics (formerly Invitae), Labcorp
Classification: Uncertain significance. Last evaluated: 2025-10-04. Review status: criteria provided, single submitter. Criteria: Invitae Variant Classification Sherloc (09022015). Collection method: clinical testing. Allele origin: germline.
Comment: This sequence change replaces arginine, which is basic and polar, with leucine, which is neutral and non-polar, at codon 536 of the RAI1 protein (p.Arg536Leu). This variant is not present in population databases (gnomAD no frequency). This variant has not been reported in the literature in individuals affected with RAI1-related conditions. ClinVar contains an entry for this variant (Variation ID: 3620129). Invitae Evidence Modeling of protein sequence and biophysical properties (such as structural, functional, and spatial information, amino acid conservation, physicochemical variation, residue mobility, and thermodynamic stability) has been performed for this missense variant. However, the output from this modeling did not meet the statistical confidence thresholds required to predict the impact of this variant on RAI1 protein function. In summary, the available evidence is currently insufficient to determine the role of this variant in disease. Therefore, it has been classified as a Variant of Uncertain Significance.